The following is an entry in ClinVar:

NM_000344.4(SMN1):c.48_55dup (p.Val19fs)

Gene: SMN1 (survival of motor neuron 1, telomeric). Cytogenetic location: 5q13.2.
Variant type: Duplication.
Coding change: c.48_55dup on transcript NM_000344.4 (MANE Select); coding-DNA positions 48 to 55, 8 bases duplicated.
Protein change: p.Val19fs; shifts the reading frame from valine 19.
Molecular consequence: frameshift variant.
Genome position: GRCh38 VCF-style: chr5-70925150-A-AGGATTCCG. GRCh37 (hg19) VCF-style: chr5-70220977-A-AGGATTCCG.
Other names: c.48_55dup, p.Val19fs (NM_001297715.1, NM_022874.2); c.48_55dupGGATTCCG (NM_000344.3); short protein forms V19fs.
Identifiers: ClinVar variation 634931 (VCV000634931.3), dbSNP rs1561498701, ClinGen allele CA913189519.

ClinVar aggregate classification (germline): Pathogenic (1 of 4 stars; one submission).

Conditions:
Spinal muscular atrophy, type II (SMA2). Also called: MUSCULAR ATROPHY, SPINAL, INFANTILE CHRONIC FORM; MUSCULAR ATROPHY, SPINAL, INTERMEDIATE TYPE; SMA II. Identifiers: Orphanet 70, Orphanet 83418, MedGen C0393538, MONDO:0009673, OMIM 253550.

Submission:

Molecular Diagnostics Lab, Nemours Children's Health, Delaware
Classification: Pathogenic for Spinal muscular atrophy, type II. Last evaluated: 2016-01-19. Review status: criteria provided, single submitter. Criteria: ACMG Guidelines, 2015. Collection method: clinical testing. Allele origin: unknown, biparental, inherited, germline. Affected: no and yes. Observed: 9 variant alleles. Clinical features observed: hypotonia, borderline microcephaly, absent deep tendon reflexes, generalized diffuse weakness, tongue fasciculations, severe hypotonia, ventilator dependent.
Comment: found in cis with c.662C>T

Literature cited by the submitters: PubMed 24498607.